The following is an entry in ClinVar:

ClinVar aggregate classification (germline): Pathogenic (1 of 4 stars; one submission).

Conditions:
Deficiency of UDPglucose-hexose-1-phosphate uridylyltransferase. Also called: GALACTOSE-1-PHOSPHATE URIDYLYLTRANSFERASE DEFICIENCY; GALT deficiency; Galactosemia, classic; Transferase Deficiency Galactosemia; GALACTOSEMIA I. Identifiers: Orphanet 352, Orphanet 79239, MedGen C0268151, MONDO:0009258, OMIM 230400.

Submission:

Myriad Genetics, Inc.
Classification: Pathogenic for Deficiency of UDPglucose-hexose-1-phosphate uridylyltransferase. Last evaluated: 2023-08-10. Review status: criteria provided, single submitter. Criteria: Myriad Autosomal Dominant, Autosomal Recessive and X-Linked Classification Criteria (2023). Collection method: clinical testing. Allele origin: unknown.
Comment: NM_000155.3(GALT):c.668_669ins13(Q224Lfs*18) is expected to be pathogenic in the context of galactosemia. This variant is predicted to lead to an abnormal or absent protein product due to the creation of a premature termination codon in GALT, a gene where loss-of-function variants are known to be pathogenic. Please note: this variant was assessed in the context of healthy population screening.

NM_000155.4(GALT):c.668_669insACTGTCTCTTATA (p.Gln224fs)

Gene: GALT (galactose-1-phosphate uridylyltransferase; plus strand). Cytogenetic location: 9p13.3.
Variant type: Insertion.
Coding change: c.668_669insACTGTCTCTTATA on transcript NM_000155.4 (MANE Select); coding-DNA positions 668 to 669, ACTGTCTCTTATA inserted.
Protein change: p.Gln224fs; shifts the reading frame from glutamine 224.
Molecular consequence: frameshift variant.
Genome position: GRCh38 VCF-style: chr9-34648437-G-GACTGTCTCTTATA. GRCh37 (hg19) VCF-style: chr9-34648434-G-GACTGTCTCTTATA.
Other names: c.341_342insACTGTCTCTTATA, p.Gln115fs (NM_001258332.2); short protein forms Q115fs, Q224fs.
Identifiers: ClinVar variation 5011316 (VCV005011316.1).